The following is an entry in ClinVar:

ClinVar aggregate classification (germline): Uncertain significance (1 of 4 stars; one submission).

Conditions:
Cardiovascular phenotype. Identifiers: MedGen CN230736.

Submission:

Ambry Genetics
Classification: Uncertain significance for Cardiovascular phenotype. Last evaluated: 2022-10-14. Review status: criteria provided, single submitter. Criteria: Ambry Variant Classification Scheme 2023. Collection method: clinical testing. Allele origin: germline.
Comment: The p.Y712F variant (also known as c.2135A>T), located in coding exon 15 of the ABCA1 gene, results from an A to T substitution at nucleotide position 2135. The tyrosine at codon 712 is replaced by phenylalanine, an amino acid with highly similar properties. This amino acid position is conserved. In addition, the in silico prediction for this alteration is inconclusive. Since supporting evidence is limited at this time, the clinical significance of this alteration remains unclear.

NM_005502.4(ABCA1):c.2135A>T (p.Tyr712Phe)

Gene: ABCA1 (ATP binding cassette subfamily A member 1; minus strand). Cytogenetic location: 9q31.1.
Variant type: single nucleotide variant.
Coding change: c.2135A>T on transcript NM_005502.4 (MANE Select); coding-DNA position 2135, A replaced by T.
Protein change: p.Tyr712Phe; replaces tyrosine 712 with phenylalanine.
Molecular consequence: missense variant.
Genome position (GRCh38, 1-based): chr9:104,827,150, T>A on the plus strand (A>T on the coding strand, the complement: ABCA1 is on the minus strand). VCF-style: chr9-104827150-T-A. GRCh37 (hg19) VCF-style: chr9-107589431-T-A.
Other names: short protein forms Y712F.
Identifiers: ClinVar variation 1786465 (VCV001786465.2), dbSNP rs1832879007, ClinGen allele CA374321959.